The following is an entry in ClinVar:

NM_004447.6(EPS8):c.1468G>A (p.Gly490Ser)

Gene: EPS8 (EGFR pathway substrate 8, signaling adaptor; minus strand). Cytogenetic location: 12p12.3.
Variant type: single nucleotide variant.
Coding change: c.1468G>A on transcript NM_004447.6 (MANE Select); coding-DNA position 1468, G replaced by A.
Protein change: p.Gly490Ser; replaces glycine 490 with serine.
Molecular consequence: missense variant. On other transcripts: non-coding transcript variant (3).
Genome position (GRCh38, 1-based): chr12:15,647,227, C>T on the plus strand (G>A on the coding strand, the complement: EPS8 is on the minus strand). VCF-style: chr12-15647227-C-T. GRCh37 (hg19) VCF-style: chr12-15800161-C-T.
Other names: c.1468G>A, p.Gly490Ser (NM_001413831.1, NM_001413832.1, NM_001413833.1 and 1 more transcripts); c.1228G>A, p.Gly410Ser (NM_001413835.1, NM_001413836.1); c.1051G>A, p.Gly351Ser (NM_001413837.1); c.688G>A, p.Gly230Ser (NM_001413838.1); short protein forms G230S, G351S, G410S, G490S.
Identifiers: ClinVar variation 3369854 (VCV003369854.1).

ClinVar aggregate classification (germline): Uncertain significance (1 of 4 stars; one submission).

gnomAD v4.1: 7 of 1,613,560 alleles (0.00043%); highest among the groups gnomAD compares: Admixed American, 0.0033%; no homozygotes.

Submission:

GeneDx
Classification: Uncertain significance. Last evaluated: 2024-03-04. Review status: criteria provided, single submitter. Criteria: GeneDx Variant Classification Process June 2021. Collection method: clinical testing. Allele origin: germline. Affected: yes.
Comment: In silico analysis supports that this missense variant does not alter protein structure/function; Has not been previously published as pathogenic or benign to our knowledge